The following is an entry in ClinVar:

NM_001278689.2(EOGT):c.1152+4A>G

Gene: EOGT (EGF domain specific O-linked N-acetylglucosamine transferase; minus strand). Cytogenetic location: 3p14.1.
Variant type: single nucleotide variant.
Coding change: c.1152+4A>G on transcript NM_001278689.2 (MANE Select); 4 bases into the intron after coding-DNA position 1152, A replaced by G.
Molecular consequence: intron variant.
Genome position (GRCh38, 1-based): chr3:68,987,441, T>C on the plus strand (A>G on the coding strand, the complement: EOGT is on the minus strand). VCF-style: chr3-68987441-T-C. GRCh37 (hg19) VCF-style: chr3-69036592-T-C.
Other names: c.900+4A>G (NM_173654.3).
Identifiers: ClinVar variation 2978848 (VCV002978848.3), dbSNP rs1329889362, ClinGen allele CA543559525.

ClinVar aggregate classification (germline): Uncertain significance (1 of 4 stars; one submission).

Conditions:
Adams-Oliver syndrome 4 (AOS4). Identifiers: Orphanet 974, MedGen C3809092, MONDO:0014124, OMIM 615297.

Allele frequency attached by ClinVar (database versions not stated): gnomAD exomes below 0.00001.
gnomAD v4.1: 3 of 1,608,464 alleles (0.00019%); highest among the groups gnomAD compares: Non-Finnish European, 0.00026%; no homozygotes.

Submission:

Labcorp Genetics (formerly Invitae), Labcorp
Classification: Uncertain significance for Adams-Oliver syndrome 4. Last evaluated: 2023-04-10. Review status: criteria provided, single submitter. Criteria: Invitae Variant Classification Sherloc (09022015). Collection method: clinical testing. Allele origin: germline.
Comment: This sequence change falls in intron 11 of the EOGT gene. It does not directly change the encoded amino acid sequence of the EOGT protein. It affects a nucleotide within the consensus splice site. This variant is not present in population databases (gnomAD no frequency). This variant has not been reported in the literature in individuals affected with EOGT-related conditions. Variants that disrupt the consensus splice site are a relatively common cause of aberrant splicing (PMID: 17576681, 9536098). Algorithms developed to predict the effect of sequence changes on RNA splicing suggest that this variant may create or strengthen a splice site. In summary, the available evidence is currently insufficient to determine the role of this variant in disease. Therefore, it has been classified as a Variant of Uncertain Significance.

Literature cited by the submitters: PubMed 17576681; PubMed 9536098.